The following is an entry in ClinVar:

ClinVar aggregate classification (germline): Uncertain significance (1 of 4 stars; one submission).

Conditions:
Congenital myasthenic syndrome 10. Also called: Myasthenia, limb-girdle, familial. Identifiers: Orphanet 590, MedGen C1850792, MONDO:0009690, OMIM 254300.
Fetal akinesia deformation sequence 1 (FADS1). Also called: Fetal akinesia sequence; Pena-Shokeir syndrome type I. Identifiers: Orphanet 994, MedGen C1276035, MONDO:0100101, OMIM 208150, HP:0001989.

Submission:

Labcorp Genetics (formerly Invitae), Labcorp
Classification: Uncertain significance for Congenital myasthenic syndrome 10; Fetal akinesia deformation sequence 1. Last evaluated: 2022-08-09. Review status: criteria provided, single submitter. Criteria: Invitae Variant Classification Sherloc (09022015). Collection method: clinical testing. Allele origin: germline.
Comment: Algorithms developed to predict the effect of missense changes on protein structure and function (SIFT, PolyPhen-2, Align-GVGD) all suggest that this variant is likely to be disruptive. ClinVar contains an entry for this variant (Variation ID: 1001709). This variant has not been reported in the literature in individuals affected with DOK7-related conditions. This variant is not present in population databases (gnomAD no frequency). This sequence change replaces glycine, which is neutral and non-polar, with alanine, which is neutral and non-polar, at codon 339 of the DOK7 protein (p.Gly339Ala). In summary, the available evidence is currently insufficient to determine the role of this variant in disease. Therefore, it has been classified as a Variant of Uncertain Significance.

NM_173660.5(DOK7):c.1016G>C (p.Gly339Ala)

Gene: DOK7 (docking protein 7; plus strand). Cytogenetic location: 4p16.3.
Variant type: single nucleotide variant.
Coding change: c.1016G>C on transcript NM_173660.5 (MANE Select); coding-DNA position 1016, G replaced by C.
Protein change: p.Gly339Ala; replaces glycine 339 with alanine.
Molecular consequence: missense variant. On other transcripts: 3 prime UTR variant (1).
Genome position (GRCh38, 1-based): chr4:3,493,002, G>C. VCF-style: chr4-3493002-G-C. GRCh37 (hg19) VCF-style: chr4-3494729-G-C.
Other names: c.*237G>C (NM_001164673.2); c.86G>C, p.Gly29Ala (NM_001256896.2); c.1016G>C, p.Gly339Ala (NM_001301071.2); c.584G>C, p.Gly195Ala (NM_001363811.2); short protein forms G195A, G29A, G339A.
Identifiers: ClinVar variation 1001709 (VCV001001709.9), dbSNP rs1728608485, ClinGen allele CA356117193.